The following is an entry in ClinVar:

ClinVar aggregate classification (germline): Uncertain significance. Review status: criteria provided, multiple submitters, no conflicts (2 of 4 stars). 4 submissions from 4 submitters: Uncertain significance (4). Last evaluated 2025-09-28.

Conditions:
SAMD9L-related disorder. Also called: SAMD9L-related condition; SAMD9L-related disorders.
Inborn genetic diseases. Identifiers: MedGen C0950123, MeSH D030342.

Allele frequency attached by ClinVar (database versions not stated): gnomAD exomes below 0.00001; ExAC 0.00001; TOPMed 0.00002.
gnomAD v4.1: 3 of 1,613,634 alleles (0.00019%); highest among the groups gnomAD compares: Admixed American, 0.0033%; no homozygotes.

Submissions (4):

Labcorp Genetics (formerly Invitae), Labcorp
Classification: Uncertain significance. Last evaluated: 2025-09-28. Review status: criteria provided, single submitter. Criteria: Invitae Variant Classification Sherloc (09022015). Collection method: clinical testing. Allele origin: germline.
Comment: This sequence change replaces leucine, which is neutral and non-polar, with phenylalanine, which is neutral and non-polar, at codon 1071 of the SAMD9L protein (p.Leu1071Phe). This variant is present in population databases (rs759103036, gnomAD 0.006%). This variant has not been reported in the literature in individuals affected with SAMD9L-related conditions. ClinVar contains an entry for this variant (Variation ID: 1903492). Invitae Evidence Modeling of protein sequence and biophysical properties (such as structural, functional, and spatial information, amino acid conservation, physicochemical variation, residue mobility, and thermodynamic stability) indicates that this missense variant is not expected to disrupt SAMD9L protein function with a negative predictive value of 80%. In summary, the available evidence is currently insufficient to determine the role of this variant in disease. Therefore, it has been classified as a Variant of Uncertain Significance.

GeneDx
Classification: Uncertain significance. Last evaluated: 2025-08-20. Review status: criteria provided, single submitter. Criteria: GeneDx Variant Classification Process June 2021. Collection method: clinical testing. Allele origin: germline.
Comment: Not observed at significant frequency in large population cohorts (gnomAD); In silico analysis supports that this missense variant has a deleterious effect on protein structure/function; Has not been previously published as pathogenic or benign to our knowledge

Ambry Genetics
Classification: Uncertain significance for Inborn genetic diseases. Last evaluated: 2024-12-29. Review status: criteria provided, single submitter. Criteria: Ambry Variant Classification Scheme 2023. Collection method: clinical testing. Allele origin: germline.
Comment: The p.L1071F variant (also known as c.3213G>C), located in coding exon 1 of the SAMD9L gene, results from a G to C substitution at nucleotide position 3213. The leucine at codon 1071 is replaced by phenylalanine, an amino acid with highly similar properties. This amino acid position is conserved. In addition, this alteration is predicted to be tolerated by in silico analysis. Based on the available evidence, the clinical significance of this variant remains unclear.

PreventionGenetics, part of Exact Sciences
Classification: Uncertain significance for SAMD9L-related condition. Last evaluated: 2024-11-20. Review status: criteria provided, single submitter. Criteria: ACMG Guidelines, 2015. Collection method: clinical testing. Allele origin: germline.
Comment: The SAMD9L c.3213G>C variant is predicted to result in the amino acid substitution p.Leu1071Phe. To our knowledge, this variant has not been reported in the literature. This variant is reported in 0.0058% of alleles in individuals of Latino descent in gnomAD. At this time, the clinical significance of this variant is uncertain due to the absence of conclusive functional and genetic evidence.

NM_152703.5(SAMD9L):c.3213G>C (p.Leu1071Phe)

Gene: SAMD9L (sterile alpha motif domain containing 9 like; minus strand). Cytogenetic location: 7q21.2.
Variant type: single nucleotide variant.
Coding change: c.3213G>C on transcript NM_152703.5 (MANE Select); coding-DNA position 3213, G replaced by C.
Protein change: p.Leu1071Phe; replaces leucine 1071 with phenylalanine.
Molecular consequence: missense variant.
Genome position (GRCh38, 1-based): chr7:93,132,759, C>G on the plus strand (G>C on the coding strand, the complement: SAMD9L is on the minus strand). VCF-style: chr7-93132759-C-G. GRCh37 (hg19) VCF-style: chr7-92762072-C-G.
Other names: c.3213G>C (NM_152703.3); c.3213G>C, p.Leu1071Phe (NM_001303496.3, NM_001303497.3, NM_001303498.3 and 5 more transcripts); short protein forms L1071F.
Identifiers: ClinVar variation 1903492 (VCV001903492.9), dbSNP rs759103036, ClinGen allele CA4343486.
Genomic context (GRCh38, chr7:93,132,759, plus strand): 5'-ATGTCTTGCTAAGGCTTGACAAATGAATGCATTTTGTGGGAATCGTCTACTTCCTGCACT[C>G]AAGACCTTTTCAATGTCTTTATTCTGTAAAGCTTCCATTAATGGGGAAAACAGAGTGTCT-3'
Protein context (NP_689916.2, residues 1061-1081): ALQNKDIEKV[Leu1071Phe]SAGSRRFPQN